The following is an entry in ClinVar:

ClinVar aggregate classification (germline): Uncertain significance (1 of 4 stars; one submission).

gnomAD v4.1: 1 of 1,211,380 alleles (0.000083%); highest among the groups gnomAD compares: Non-Finnish European, 0.00011%; no homozygotes.

Submission:

GeneDx
Classification: Uncertain significance. Last evaluated: 2023-06-04. Review status: criteria provided, single submitter. Criteria: GeneDx Variant Classification Process June 2021. Collection method: clinical testing. Allele origin: germline. Affected: yes.
Comment: Not observed at significant frequency in large population cohorts (gnomAD); In silico analysis supports that this missense variant has a deleterious effect on protein structure/function; Has not been previously published as pathogenic or benign to our knowledge

NM_153252.5(BRWD3):c.764C>T (p.Ala255Val)

Gene: BRWD3 (bromodomain and WD repeat domain containing 3; minus strand). Cytogenetic location: Xq21.1.
Variant type: single nucleotide variant.
Coding change: c.764C>T on transcript NM_153252.5 (MANE Select); coding-DNA position 764, C replaced by T.
Protein change: p.Ala255Val; replaces alanine 255 with valine.
Molecular consequence: missense variant.
Genome position (GRCh38, 1-based): chrX:80,744,081, G>A on the plus strand (C>T on the coding strand, the complement: BRWD3 is on the minus strand). VCF-style: chrX-80744081-G-A. GRCh37 (hg19) VCF-style: chrX-79999580-G-A.
Other names: short protein forms A255V.
Identifiers: ClinVar variation 3359525 (VCV003359525.1).